The following is an entry in ClinVar:

ClinVar aggregate classification (germline): Uncertain significance (1 of 4 stars; one submission).

Conditions:
Familial cold autoinflammatory syndrome 2 (FCAS2). Identifiers: Orphanet 247868, MedGen C2673198, MONDO:0012724, OMIM 611762.

gnomAD v4.1: 61 of 1,614,004 alleles (0.0038%); highest among the groups gnomAD compares: Middle Eastern, 0.033%; no homozygotes.

Submission:

Labcorp Genetics (formerly Invitae), Labcorp
Classification: Uncertain significance for Familial cold autoinflammatory syndrome 2. Last evaluated: 2025-10-18. Review status: criteria provided, single submitter. Criteria: Invitae Variant Classification Sherloc (09022015). Collection method: clinical testing. Allele origin: germline.
Comment: This sequence change replaces glycine, which is neutral and non-polar, with tryptophan, which is neutral and slightly polar, at codon 729 of the NLRP12 protein (p.Gly729Trp). This variant is present in population databases (rs139938997, gnomAD 0.02%). This variant has not been reported in the literature in individuals affected with NLRP12-related conditions. ClinVar contains an entry for this variant (Variation ID: 579529). Invitae Evidence Modeling of protein sequence and biophysical properties (such as structural, functional, and spatial information, amino acid conservation, physicochemical variation, residue mobility, and thermodynamic stability) indicates that this missense variant is not expected to disrupt NLRP12 protein function with a negative predictive value of 80%. In summary, the available evidence is currently insufficient to determine the role of this variant in disease. Therefore, it has been classified as a Variant of Uncertain Significance.

NM_144687.4(NLRP12):c.2185G>T (p.Gly729Trp)

Gene: NLRP12 (NLR family pyrin domain containing 12; minus strand). Cytogenetic location: 19q13.42.
Variant type: single nucleotide variant.
Coding change: c.2185G>T on transcript NM_144687.4 (MANE Select); coding-DNA position 2185, G replaced by T.
Protein change: p.Gly729Trp; replaces glycine 729 with tryptophan.
Molecular consequence: missense variant.
Genome position (GRCh38, 1-based): chr19:53,807,553, C>A on the plus strand (G>T on the coding strand, the complement: NLRP12 is on the minus strand). VCF-style: chr19-53807553-C-A. GRCh37 (hg19) VCF-style: chr19-54310807-C-A.
Other names: c.2188G>T, p.Gly730Trp (NM_001277126.2); c.2185G>T, p.Gly729Trp (NM_001277129.1); short protein forms G729W, G730W.
Identifiers: ClinVar variation 579529 (VCV000579529.8), dbSNP rs139938997, ClinGen allele CA9639197.